The following is an entry in ClinVar:

ClinVar aggregate classification (germline): Uncertain significance. Review status: criteria provided, multiple submitters, no conflicts (2 of 4 stars). 2 submissions from 2 submitters: Uncertain significance (2). Last evaluated 2025-01-07.

Conditions:
Inborn genetic diseases. Identifiers: MedGen C0950123, MeSH D030342.
COG1 congenital disorder of glycosylation (CDG2G). Also called: CONGENITAL DISORDER OF GLYCOSYLATION, TYPE IIg; CDG IIg; CDGII/COG1 CEREBROCOSTOMANDIBULAR-LIKE SYNDROME. Identifiers: Orphanet 263508, MedGen C2931011, MONDO:0012637, OMIM 611209.

Submissions (2):

Ambry Genetics
Classification: Uncertain significance for Inborn genetic diseases. Last evaluated: 2025-01-07. Review status: criteria provided, single submitter. Criteria: Ambry Variant Classification Scheme 2023. Collection method: clinical testing. Allele origin: germline.

Labcorp Genetics (formerly Invitae), Labcorp
Classification: Uncertain significance for COG1 congenital disorder of glycosylation. Last evaluated: 2022-06-04. Review status: criteria provided, single submitter. Criteria: Invitae Variant Classification Sherloc (09022015). Collection method: clinical testing. Allele origin: germline.
Comment: This sequence change replaces lysine, which is basic and polar, with glutamic acid, which is acidic and polar, at codon 506 of the COG1 protein (p.Lys506Glu). This variant is not present in population databases (gnomAD no frequency). This variant has not been reported in the literature in individuals affected with COG1-related conditions. Algorithms developed to predict the effect of missense changes on protein structure and function are either unavailable or do not agree on the potential impact of this missense change (SIFT: "Tolerated"; PolyPhen-2: "Possibly Damaging"; Align-GVGD: "Class C0"). In summary, the available evidence is currently insufficient to determine the role of this variant in disease. Therefore, it has been classified as a Variant of Uncertain Significance.

NM_018714.3(COG1):c.1516A>G (p.Lys506Glu)

Gene: COG1 (component of oligomeric golgi complex 1; plus strand). Cytogenetic location: 17q25.1.
Variant type: single nucleotide variant.
Coding change: c.1516A>G on transcript NM_018714.3 (MANE Select); coding-DNA position 1516, A replaced by G.
Protein change: p.Lys506Glu; replaces lysine 506 with glutamic acid.
Molecular consequence: missense variant.
Genome position (GRCh38, 1-based): chr17:73,201,343, A>G. VCF-style: chr17-73201343-A-G. GRCh37 (hg19) VCF-style: chr17-71197482-A-G.
Other names: c.1516A>G (NM_018714.2); short protein forms K506E.
Identifiers: ClinVar variation 2053473 (VCV002053473.5), dbSNP rs2511082382, ClinGen allele CA400891913.